The following is an entry in ClinVar:

ClinVar aggregate classification (germline): Uncertain significance (1 of 4 stars; one submission).

Submission:

GeneDx
Classification: Uncertain significance. Last evaluated: 2017-09-18. Review status: criteria provided, single submitter. Criteria: GeneDx Variant Classification (06012015). Collection method: clinical testing. Allele origin: germline. Affected: yes.
Comment: The F590S variant has not been published as pathogenic or been reported as benign to our knowledge. The F590S variant is not observed in large population cohorts (Lek et al., 2016; 1000 Genomes Consortium et al., 2015; Exome Variant Server). The F590S variant is a non-conservative amino acid substitution, which is likely to impact secondary protein structure as these residues differ in polarity, charge, size and/or other properties. This substitution occurs at a position that is conserved across species, and in silico analysis predicts this variant is probably damaging to the protein structure/function.

NM_004415.4(DSP):c.1769T>C (p.Phe590Ser)

Gene: DSP (desmoplakin; plus strand). Cytogenetic location: 6p24.3.
Variant type: single nucleotide variant.
Coding change: c.1769T>C on transcript NM_004415.4 (MANE Select); coding-DNA position 1769, T replaced by C.
Protein change: p.Phe590Ser; replaces phenylalanine 590 with serine.
Molecular consequence: missense variant.
Genome position (GRCh38, 1-based): chr6:7,571,450, T>C. VCF-style: chr6-7571450-T-C. GRCh37 (hg19) VCF-style: chr6-7571683-T-C.
Other names: c.1769T>C (LRG_423t1); c.1769T>C, p.Phe590Ser (NM_001008844.3, NM_001319034.2); short protein forms F590S.
Identifiers: ClinVar variation 452241 (VCV000452241.2), dbSNP rs1554107083, ClinGen allele CA362679052.